The following is an entry in ClinVar:

NM_014714.4(IFT140):c.2697C>T (p.His899=)

Gene: IFT140 (intraflagellar transport 140; minus strand). Cytogenetic location: 16p13.3.
Variant type: single nucleotide variant.
Coding change: c.2697C>T on transcript NM_014714.4 (MANE Select); coding-DNA position 2697, C replaced by T.
Protein change: p.His899=; no amino-acid change (histidine 899 retained).
Molecular consequence: synonymous variant.
Genome position (GRCh38, 1-based): chr16:1,525,958, G>A on the plus strand (C>T on the coding strand, the complement: IFT140 is on the minus strand). VCF-style: chr16-1525958-G-A. GRCh37 (hg19) VCF-style: chr16-1575959-G-A.
Identifiers: ClinVar variation 3348423 (VCV003348423.1).
Genomic context (GRCh38, chr16:1,525,958, plus strand): 5'-CCGGCTGCAGTCGGCGCTGGCCTCCAGGTGCCCGGCATAGCGGTGGTAGGTGCTGCGCAG[G>A]TGCACGCGATCGTGGTGCTCGGCTACCTGGAGGGCCTCCTGCCACCGGCCCGCAGCCTGG-3'
Protein context (NP_055529.2, residues 889-909): LQVAEHHDRV[His899=]LRSTYHRYAG

ClinVar aggregate classification (germline): Likely benign (0 of 4 stars; one submission).

Conditions:
IFT140-related disorder. Also called: IFT140-related condition.

gnomAD v4.1: 1 of 1,582,666 alleles (0.000063%); highest among the groups gnomAD compares: Non-Finnish European, 0.000086%; no homozygotes.

Submission:

PreventionGenetics, part of Exact Sciences
Classification: Likely benign for IFT140-related condition. Last evaluated: 2024-07-25. Review status: no assertion criteria provided. Collection method: clinical testing. Allele origin: germline.
Comment: This variant is classified as likely benign based on ACMG/AMP sequence variant interpretation guidelines (Richards et al. 2015 PMID: 25741868, with internal and published modifications).